The following is an entry in ClinVar:

NM_001018005.2(TPM1):c.514A>C (p.Ile172Leu)

Gene: TPM1 (tropomyosin 1; plus strand). Cytogenetic location: 15q22.2.
Variant type: single nucleotide variant.
Coding change: c.514A>C on transcript NM_001018005.2 (MANE Select); coding-DNA position 514, A replaced by C.
Protein change: p.Ile172Leu; replaces isoleucine 172 with leucine.
Molecular consequence: missense variant.
Genome position (GRCh38, 1-based): chr15:63,060,890, A>C. VCF-style: chr15-63060890-A-C. GRCh37 (hg19) VCF-style: chr15-63353089-A-C.
Other names: c.514A>C, p.Ile172Leu (NM_000366.6, NM_001018004.2, NM_001018006.2 and 6 more transcripts); c.406A>C, p.Ile136Leu (NM_001018008.2, NM_001301289.2, NM_001330344.2 and 5 more transcripts); c.640A>C, p.Ile214Leu (NM_001365778.1); short protein forms I172L, I136L, I214L.
Identifiers: ClinVar variation 426129 (VCV000426129.2), dbSNP rs760374266, ClinGen allele CA029933.
Genomic context (GRCh38, chr15:63,060,890, plus strand): 5'-CAAGACCCATGGTGTGTGTGTTGTGTCTTCCTGCTGCAGGTGGCCCGTAAGCTGGTCATC[A>C]TTGAGAGCGACCTGGAACGTGCAGAGGAGCGGGCTGAGCTCTCAGAAGGGTAAGCGGGCC-3'
Protein context (NP_001018005.1, residues 162-182): YEEVARKLVI[Ile172Leu]ESDLERAEER

ClinVar aggregate classification (germline): Uncertain significance (1 of 4 stars; one submission).

Allele frequency attached by ClinVar (database versions not stated): gnomAD exomes below 0.00001; ExAC 0.00001.
gnomAD v4.1: 2 of 1,614,198 alleles (0.00012%); highest among the groups gnomAD compares: South Asian, 0.0022%; no homozygotes.

Submission:

GeneDx
Classification: Uncertain significance. Last evaluated: 2017-05-02. Review status: criteria provided, single submitter. Criteria: GeneDx Variant Classification (06012015). Collection method: clinical testing. Allele origin: germline. Affected: yes.
Comment: The I172L variant has notbeen published as pathogenic or been reported as benign to our knowledge. It is not observed at asignificant frequency in large population cohorts (Lek et al., 2016; 1000 Genomes Consortium et al.,2015; Exome Variant Server). Although the I172L variant is a conservative amino acid substitution,this substitution occurs at a position that is conserved across species. In addition, two of three in silicoanalysis algorithms predict this variant is probably damaging to the protein structure/function.Nonetheless, this variant lacks observation in a significant number of affected individuals, segregationdata, and functional evidence, all of which would further clarify pathogenicity.